The following is an entry in ClinVar:

ClinVar aggregate classification (germline): Uncertain significance (1 of 4 stars; one submission).

Conditions:
Bardet-Biedl syndrome (BBS). Identifiers: Orphanet 110, MedGen C0752166, MONDO:0015229.
McKusick-Kaufman syndrome (MKKS). Also called: HYDROMETROCOLPOS SYNDROME; HYDROMETROCOLPOS, POSTAXIAL POLYDACTYLY, AND CONGENITAL HEART MALFORMATION. Identifiers: Orphanet 2473, MedGen C0948368, MONDO:0009367, OMIM 236700.

Submission:

Labcorp Genetics (formerly Invitae), Labcorp
Classification: Uncertain significance for McKusick-Kaufman syndrome; Bardet-Biedl syndrome. Last evaluated: 2021-09-15. Review status: criteria provided, single submitter. Criteria: Invitae Variant Classification Sherloc (09022015). Collection method: clinical testing. Allele origin: germline.
Comment: In summary, the available evidence is currently insufficient to determine the role of this variant in disease. Therefore, it has been classified as a Variant of Uncertain Significance. Algorithms developed to predict the effect of missense changes on protein structure and function (SIFT, PolyPhen-2, Align-GVGD) all suggest that this variant is likely to be tolerated. This variant has not been reported in the literature in individuals affected with MKKS-related conditions. This variant is not present in population databases (ExAC no frequency). This sequence change replaces serine with arginine at codon 535 of the MKKS protein (p.Ser535Arg). The serine residue is weakly conserved and there is a moderate physicochemical difference between serine and arginine.

NM_170784.3(MKKS):c.1605C>G (p.Ser535Arg)

Gene: MKKS (MKKS centrosomal shuttling protein; minus strand). Cytogenetic location: 20p12.2.
Variant type: single nucleotide variant.
Coding change: c.1605C>G on transcript NM_170784.3 (MANE Select); coding-DNA position 1605, C replaced by G.
Protein change: p.Ser535Arg; replaces serine 535 with arginine.
Molecular consequence: missense variant. On other transcripts: non-coding transcript variant (1).
Genome position (GRCh38, 1-based): chr20:10,405,355, G>C on the plus strand (C>G on the coding strand, the complement: MKKS is on the minus strand). VCF-style: chr20-10405355-G-C. GRCh37 (hg19) VCF-style: chr20-10386003-G-C.
Other names: c.1605C>G, p.Ser535Arg (NM_018848.3); short protein forms S535R.
Identifiers: ClinVar variation 1474112 (VCV001474112.6), dbSNP rs889037739, ClinGen allele CA408230531.